The following is an entry in ClinVar:

ClinVar aggregate classification (germline): Uncertain significance (1 of 4 stars; one submission).

Conditions:
Primary dilated cardiomyopathy (DCM). Also called: Dilated Cardiomyopathy. Identifiers: Orphanet 217604, MedGen C0007193, MeSH D002311, MONDO:0005021, HP:0001644. Inheritance: Various modes of inheritance.

Allele frequency attached by ClinVar (database versions not stated): gnomAD 0.00001; gnomAD exomes 0.00001 and 0.00002; TOPMed 0.00001; ExAC 0.00002.
gnomAD v4.1: 12 of 1,589,694 alleles (0.00075%); highest among the groups gnomAD compares: East Asian, 0.0022%; no homozygotes.

Submission:

Labcorp Genetics (formerly Invitae), Labcorp
Classification: Uncertain significance for Primary dilated cardiomyopathy. Last evaluated: 2025-05-11. Review status: criteria provided, single submitter. Criteria: Invitae Variant Classification Sherloc (09022015). Collection method: clinical testing. Allele origin: germline.
Comment: This sequence change falls in intron 25 of the NEBL gene. It does not directly change the encoded amino acid sequence of the NEBL protein. It affects a nucleotide within the consensus splice site. This variant is present in population databases (rs762305537, gnomAD 0.004%). This variant has not been reported in the literature in individuals affected with NEBL-related conditions. ClinVar contains an entry for this variant (Variation ID: 1036469). Variants that disrupt the consensus splice site are a relatively common cause of aberrant splicing (PMID: 17576681, 9536098). Algorithms developed to predict the effect of sequence changes on RNA splicing suggest that this variant is not likely to affect RNA splicing. In summary, the available evidence is currently insufficient to determine the role of this variant in disease. Therefore, it has been classified as a Variant of Uncertain Significance.

Literature cited by the submitters: PubMed 17576681; PubMed 9536098.

NM_006393.3(NEBL):c.2611+6A>G

Gene: NEBL (nebulette; minus strand). Cytogenetic location: 10p12.31.
Variant type: single nucleotide variant.
Coding change: c.2611+6A>G on transcript NM_006393.3 (MANE Select); 6 bases into the intron after coding-DNA position 2611, A replaced by G.
Molecular consequence: intron variant.
Genome position (GRCh38, 1-based): chr10:20,809,800, T>C on the plus strand (A>G on the coding strand, the complement: NEBL is on the minus strand). VCF-style: chr10-20809800-T-C. GRCh37 (hg19) VCF-style: chr10-21098729-T-C.
Other names: c.421+2969A>G (NM_001377326.1, NM_001377327.1, NM_001377328.1); c.529+2969A>G (NM_213569.2, NM_001173484.2); c.622+6A>G (NM_001377322.1); c.472+2969A>G (NM_001377324.1); c.463+2969A>G (NM_001377325.1); c.481+2969A>G (NM_001377323.1).
Identifiers: ClinVar variation 1036469 (VCV001036469.7), dbSNP rs762305537, ClinGen allele CA5432398.
Genomic context (GRCh38, chr10:20,809,800, plus strand): 5'-AGTTCACAGTGGTTCACTTTTGGGACAAAACCACATAAATGGGATGAACTAAAAAGTGAG[T>C]AATACCAGAGAGCATATGGAGACTTCTAGACTGAATATTGTCTTCCAGGGGATCAAGGTC-3'